The following is an entry in ClinVar:

NM_000431.4(MVK):c.663T>G (p.Ile221Met)

Gene: MVK (mevalonate kinase; plus strand). Cytogenetic location: 12q24.11.
Variant type: single nucleotide variant.
Coding change: c.663T>G on transcript NM_000431.4 (MANE Select); coding-DNA position 663, T replaced by G.
Protein change: p.Ile221Met; replaces isoleucine 221 with methionine.
Molecular consequence: missense variant.
Genome position (GRCh38, 1-based): chr12:109,586,785, T>G. VCF-style: chr12-109586785-T-G. GRCh37 (hg19) VCF-style: chr12-110024590-T-G.
Other names: c.663T>G (NM_000431.2); c.663T>G, p.Ile221Met (NM_001114185.3); c.507T>G, p.Ile169Met (NM_001301182.2); short protein forms I221M, I169M.
Identifiers: ClinVar variation 639662 (VCV000639662.8), dbSNP rs757289914, ClinGen allele CA6779329.
Genomic context (GRCh38, chr12:109,586,785, plus strand): 5'-AGCTCTGACCCACTGGTTTTTCTCTTTAGGAGGAGCCCTCCGATACCATCAAGGGAAGAT[T>G]TCATCCTTAAAGAGGTAACCTGGGGGTGGAGCAGCACATTCAGCCATGGCTGCATTGATG-3'
Protein context (NP_000422.1, residues 211-231): GGALRYHQGK[Ile221Met]SSLKRSPALQ

ClinVar aggregate classification (germline): Uncertain significance. Review status: criteria provided, multiple submitters, no conflicts (2 of 4 stars). 3 submissions from 3 submitters: Uncertain significance (3). Last evaluated 2025-06-24.

Conditions:
Inborn genetic diseases. Identifiers: MedGen C0950123, MeSH D030342.
Mevalonic aciduria (MEVA). Identifiers: Orphanet 29, MedGen C1959626, MONDO:0012481, OMIM 610377.
Porokeratosis 3, disseminated superficial actinic type (POROK3). Also called: POROKERATOSIS, DISSEMINATED SUPERFICIAL ACTINIC, 1; POROKERATOSIS 3, MULTIPLE TYPES; POROKERATOSIS 3, MIBELLI TYPE. Identifiers: MedGen C1867981, MONDO:0008293, OMIM 175900.
Hyperimmunoglobulin D with periodic fever (HIDS). Also called: Hyperimmunoglobulinemia D; Hyperimmunoglobulinemia D with periodic fever; HYPERIMMUNOGLOBULINEMIA D AND PERIODIC FEVER SYNDROME. Identifiers: Orphanet 343, MedGen C0398691, MONDO:0009849, OMIM 260920.

Allele frequency attached by ClinVar (database versions not stated): gnomAD exomes 0.00001 and 0.00002; ExAC 0.00002; TOPMed 0.00012; gnomAD 0.00015 and 0.00018.
gnomAD v4.1: 37 of 1,614,036 alleles (0.0023%); highest among the groups gnomAD compares: African/African-American, 0.048%; no homozygotes.

Submissions (3):

Labcorp Genetics (formerly Invitae), Labcorp
Classification: Uncertain significance for Mevalonic aciduria; Hyperimmunoglobulin D with periodic fever; Porokeratosis 3, disseminated superficial actinic type. Last evaluated: 2025-06-24. Review status: criteria provided, single submitter. Criteria: Invitae Variant Classification Sherloc (09022015). Collection method: clinical testing. Allele origin: germline.
Comment: This sequence change replaces isoleucine, which is neutral and non-polar, with methionine, which is neutral and non-polar, at codon 221 of the MVK protein (p.Ile221Met). This variant is present in population databases (rs757289914, gnomAD 0.03%). This variant has not been reported in the literature in individuals affected with MVK-related conditions. ClinVar contains an entry for this variant (Variation ID: 639662). An algorithm developed to predict the effect of missense changes on protein structure and function outputs the following: PolyPhen-2: "Benign". The methionine amino acid residue is found in multiple mammalian species, which suggests that this missense change does not adversely affect protein function. In summary, the available evidence is currently insufficient to determine the role of this variant in disease. Therefore, it has been classified as a Variant of Uncertain Significance.

Fulgent Genetics
Classification: Uncertain significance for Porokeratosis 3, disseminated superficial actinic type; Hyperimmunoglobulin D with periodic fever; Mevalonic aciduria. Last evaluated: 2024-05-29. Review status: criteria provided, single submitter. Criteria: ACMG Guidelines, 2015. Collection method: clinical testing. Allele origin: germline.

Ambry Genetics
Classification: Uncertain significance for Inborn genetic diseases. Last evaluated: 2021-07-02. Review status: criteria provided, single submitter. Criteria: Ambry Variant Classification Scheme 2023. Collection method: clinical testing. Allele origin: germline.